The following is an entry in ClinVar:

ClinVar aggregate classification (germline): Pathogenic/Likely pathogenic. Review status: criteria provided, multiple submitters, no conflicts (2 of 4 stars). 4 submissions from 4 submitters: Pathogenic (3); Likely pathogenic (1). Last evaluated 2024-09-30.

Conditions:
Glycogen storage disease type III (GSD3). Also called: FORBES DISEASE; Cori disease. Identifiers: Orphanet 366, MedGen C0017922, MONDO:0009291, OMIM 232400.

Submissions (4):

Natera, Inc.
Classification: Likely pathogenic for Glycogen storage disease type III. Last evaluated: 2024-09-30. Review status: criteria provided, single submitter. Criteria: Natera Variant Classification Schema (03/2026). Collection method: clinical testing. Allele origin: germline.
Comment: The c.891dupA variant in AGL is a frameshift variant predicted to shift the reading frame beginning at codon 298 and leads to a stop codon 14 codons downstream. This variant is expected to result in nonsense mediated decay, truncation, or a dysfunctional protein product. This variant is rare in the general population with a frequency below the threshold expected for the associated phenotype(s). Given the available evidence, this variant is classified as Likely Pathogenic.

Labcorp Genetics (formerly Invitae), Labcorp
Classification: Pathogenic for Glycogen storage disease type III. Last evaluated: 2023-08-30. Review status: criteria provided, single submitter. Criteria: Invitae Variant Classification Sherloc (09022015). Collection method: clinical testing. Allele origin: germline.
Comment: For these reasons, this variant has been classified as Pathogenic. Algorithms developed to predict the effect of sequence changes on RNA splicing suggest that this variant may disrupt the consensus splice site. ClinVar contains an entry for this variant (Variation ID: 1322907). This variant has not been reported in the literature in individuals affected with AGL-related conditions. This variant is present in population databases (rs775335476, gnomAD 0.01%). This sequence change creates a premature translational stop signal (p.Leu298Thrfs*14) in the AGL gene. It is expected to result in an absent or disrupted protein product. Loss-of-function variants in AGL are known to be pathogenic (PMID: 19299494).

Genome-Nilou Lab
Classification: Pathogenic for Glycogen storage disease type III. Last evaluated: 2023-04-11. Review status: criteria provided, single submitter. Criteria: ACMG Guidelines, 2015. Collection method: clinical testing. Allele origin: germline. Affected: no.

Revvity Omics, Revvity
Classification: Pathogenic for Glycogen storage disease type III. Last evaluated: 2020-11-06. Review status: criteria provided, single submitter. Criteria: ACMG Guidelines, 2015. Collection method: clinical testing. Allele origin: germline.

Literature cited by the submitters: PubMed 19299494 (cited by Labcorp Genetics (formerly Invitae), Labcorp).

NM_000642.3(AGL):c.891dup (p.Leu298fs)

Gene: AGL (amylo-alpha-1,6-glucosidase and 4-alpha-glucanotransferase; plus strand). Cytogenetic location: 1p21.2.
Variant type: Duplication.
Coding change: c.891dup on transcript NM_000642.3 (MANE Select); coding-DNA position 891, one base duplicated (A; older notation c.891dupA).
Protein change: p.Leu298fs; shifts the reading frame from leucine 298.
Molecular consequence: frameshift variant.
Genome position (GRCh38, 1-based): chr1:99,870,802, A duplicated; the last of 3 consecutive A bases (chr1:99,870,800-99,870,802); duplicating any one gives the same sequence. VCF-style (leftmost placement, unchanged base first): chr1-99870799-T-TA. GRCh37 (hg19) VCF-style: chr1-100336355-T-TA.
Other names: c.843dup, p.Leu282Thrfs (NM_000646.3); c.891dup, p.Leu298Thrfs (NM_001425325.1, NM_000643.3, NM_000644.3 and 3 more transcripts); c.687dup, p.Leu230Thrfs (NM_001425328.1, NM_001425329.1); c.513dup, p.Leu172Thrfs (NM_001425332.1); c.891dupA (NM_000642.2); short protein forms L282fs, L298fs.
Identifiers: ClinVar variation 1322907 (VCV001322907.11), dbSNP rs775335476, ClinGen allele CA966304.